The following is an entry in ClinVar:

NM_001034853.2(RPGR):c.2527G>A (p.Glu843Lys)

Gene: RPGR (retinitis pigmentosa GTPase regulator; minus strand). Cytogenetic location: Xp11.4.
Variant type: single nucleotide variant.
Coding change: c.2527G>A on transcript NM_001034853.2 (MANE Select); coding-DNA position 2527, G replaced by A.
Protein change: p.Glu843Lys; replaces glutamic acid 843 with lysine.
Molecular consequence: missense variant. On other transcripts: intron variant (8).
Genome position (GRCh38, 1-based): chrX:38,286,472, C>T on the plus strand (G>A on the coding strand, the complement: RPGR is on the minus strand). VCF-style: chrX-38286472-C-T. GRCh37 (hg19) VCF-style: chrX-38145725-C-T.
Other names: c.1569+4487G>A (NM_001367249.1, NM_001367250.1); c.1902+622G>A (NM_001367245.1); c.1386+4487G>A (NM_001367251.1); c.1719+622G>A (NM_001367246.1); c.1572+4487G>A (NM_001367247.1); c.1905+622G>A (NM_000328.3); c.1602+4487G>A (NM_001367248.1); short protein forms E843K.
Identifiers: ClinVar variation 2149393 (VCV002149393.4), dbSNP rs2519790060, ClinGen allele CA412730434.

ClinVar aggregate classification (germline): Uncertain significance (1 of 4 stars; one submission).

Conditions:
Primary ciliary dyskinesia. Also called: Ciliary dyskinesia. Identifiers: Orphanet 244, MedGen C0008780, MONDO:0016575, HP:0012265.

Submission:

Labcorp Genetics (formerly Invitae), Labcorp
Classification: Uncertain significance for Primary ciliary dyskinesia. Last evaluated: 2022-08-05. Review status: criteria provided, single submitter. Criteria: Invitae Variant Classification Sherloc (09022015). Collection method: clinical testing. Allele origin: germline.
Comment: In summary, the available evidence is currently insufficient to determine the role of this variant in disease. Therefore, it has been classified as a Variant of Uncertain Significance. Experimental studies and prediction algorithms are not available or were not evaluated, and the functional significance of this variant is currently unknown. This variant has not been reported in the literature in individuals affected with RPGR (ORF15)-related conditions. The frequency data for this variant in the population databases is considered unreliable, as metrics indicate insufficient coverage at this position in the gnomAD database. This sequence change replaces glutamic acid, which is acidic and polar, with lysine, which is basic and polar, at codon 843 of the RPGR (ORF15) protein (p.Glu843Lys).